The following is an entry in ClinVar:

ClinVar aggregate classification (germline): Uncertain significance (1 of 4 stars; one submission).

gnomAD v4.1: 6 of 1,259,142 alleles (0.00048%); highest among the groups gnomAD compares: Non-Finnish European, 0.0006%; no homozygotes.

Submission:

GeneDx
Classification: Uncertain significance. Last evaluated: 2024-11-15. Review status: criteria provided, single submitter. Criteria: GeneDx Variant Classification Process June 2021. Collection method: clinical testing. Allele origin: germline. Affected: yes.
Comment: Not observed at significant frequency in large population cohorts (gnomAD); In silico analysis supports that this missense variant has a deleterious effect on protein structure/function; Has not been previously published as pathogenic or benign to our knowledge

NM_001042681.2(RERE):c.3109C>T (p.His1037Tyr)

Gene: RERE (arginine-glutamic acid dipeptide repeats; minus strand). Cytogenetic location: 1p36.23.
Variant type: single nucleotide variant.
Coding change: c.3109C>T on transcript NM_001042681.2 (MANE Select); coding-DNA position 3109, C replaced by T.
Protein change: p.His1037Tyr; replaces histidine 1037 with tyrosine.
Molecular consequence: missense variant.
Genome position (GRCh38, 1-based): chr1:8,360,398, G>A on the plus strand (C>T on the coding strand, the complement: RERE is on the minus strand). VCF-style: chr1-8360398-G-A. GRCh37 (hg19) VCF-style: chr1-8420458-G-A.
Other names: c.1447C>T, p.His483Tyr (NM_001042682.2); c.3109C>T, p.His1037Tyr (NM_012102.4); short protein forms H1037Y, H483Y.
Identifiers: ClinVar variation 3899487 (VCV003899487.1).
Genomic context (GRCh38, chr1:8,360,398, plus strand): 5'-TAGAGGTGGAGGGGCAGGTCGGAGGGGTGATGGGAGGAGGGCCTCCAGGGACAAAGGGGT[G>A]CTGAGCAAACGGGGGTTGGGGGGCCACCTGGTGGAGGCCTGTAGGGGGGTGGGAGGCAGG-3'
Protein context (NP_001036146.1, residues 1027-1047): QVAPQPPFAQ[His1037Tyr]PFVPGGPPPI